The following is an entry in ClinVar:

ClinVar aggregate classification (germline): Uncertain significance (1 of 4 stars; one submission).

Allele frequency attached by ClinVar (database versions not stated): gnomAD exomes below 0.00001; TOPMed 0.00002.
gnomAD v4.1: 6 of 1,613,788 alleles (0.00037%); highest among the groups gnomAD compares: Non-Finnish European, 0.00051%; no homozygotes.

Submission:

CeGaT Center for Human Genetics Tuebingen
Classification: Uncertain significance. Last evaluated: 2024-02-01. Review status: criteria provided, single submitter. Criteria: CeGaT Center For Human Genetics Tuebingen Variant Classification Criteria Version 2. Collection method: clinical testing. Allele origin: germline. Affected: yes. Observed: 1 variant allele.
Comment: CDH2: PM2, BP4

NM_001792.5(CDH2):c.1535C>T (p.Ala512Val)

Gene: CDH2 (cadherin 2; minus strand). Cytogenetic location: 18q12.1.
Variant type: single nucleotide variant.
Coding change: c.1535C>T on transcript NM_001792.5 (MANE Select); coding-DNA position 1535, C replaced by T.
Protein change: p.Ala512Val; replaces alanine 512 with valine.
Molecular consequence: missense variant.
Genome position (GRCh38, 1-based): chr18:27,990,160, G>A on the plus strand (C>T on the coding strand, the complement: CDH2 is on the minus strand). VCF-style: chr18-27990160-G-A. GRCh37 (hg19) VCF-style: chr18-25570124-G-A.
Other names: c.1442C>T, p.Ala481Val (NM_001308176.2); short protein forms A481V, A512V.
Identifiers: ClinVar variation 3026036 (VCV003026036.22), dbSNP rs879152118, ClinGen allele CA297684140.
Genomic context (GRCh38, chr18:27,990,160, plus strand): 5'-ATATTTTGCTGCATATATCGATCTGGGTCCTGAGCAGTGAATGTTGTCAACATGGTACCG[G>A]CATGAAGCCCTTCTTCTTGGCGAATGATCTTAGGATTGGGGGCAAAATAAGGGTTTTCAT-3'
Protein context (NP_001783.2, residues 502-522): KIIRQEEGLH[Ala512Val]GTMLTTFTAQ